The following is an entry in ClinVar:

ClinVar aggregate classification (germline): Uncertain significance (1 of 4 stars; one submission).

Conditions:
Developmental and epileptic encephalopathy, 42 (DEE42A). Also called: DEVELOPMENTAL AND EPILEPTIC ENCEPHALOPATHY 42A; EPILEPTIC ENCEPHALOPATHY, EARLY INFANTILE, 42A; Epileptic encephalopathy, early infantile, 42. Identifiers: MedGen C4310716, MONDO:0014917, OMIM 617106.
Episodic ataxia type 2 (EA2). Also called: ATAXIA, EPISODIC, WITH NYSTAGMUS; ATAXIA, FAMILIAL PAROXYSMAL; CEREBELLAR ATAXIA, PAROXYSMAL, ACETAZOLAMIDE-RESPONSIVE; CEREBELLOPATHY, HEREDITARY PAROXYSMAL; EPISODIC ATAXIA, NYSTAGMUS-ASSOCIATED; ACETAZOLAMIDE-RESPONSIVE HEREDITARY PAROXYSMAL CEREBELLAR ATAXIA. Identifiers: Orphanet 97, MedGen C1720416, MONDO:0007163, OMIM 108500.

Submission:

Labcorp Genetics (formerly Invitae), Labcorp
Classification: Uncertain significance for Developmental and epileptic encephalopathy, 42; Episodic ataxia type 2. Last evaluated: 2025-05-19. Review status: criteria provided, single submitter. Criteria: Invitae Variant Classification Sherloc (09022015). Collection method: clinical testing. Allele origin: germline.
Comment: This sequence change replaces alanine, which is neutral and non-polar, with proline, which is neutral and non-polar, at codon 2099 of the CACNA1A protein (p.Ala2099Pro). This variant is not present in population databases (gnomAD no frequency). This variant has not been reported in the literature in individuals affected with CACNA1A-related conditions. ClinVar contains an entry for this variant (Variation ID: 1489223). Invitae Evidence Modeling of protein sequence and biophysical properties (such as structural, functional, and spatial information, amino acid conservation, physicochemical variation, residue mobility, and thermodynamic stability) indicates that this missense variant is not expected to disrupt CACNA1A protein function with a negative predictive value of 95%. In summary, the available evidence is currently insufficient to determine the role of this variant in disease. Therefore, it has been classified as a Variant of Uncertain Significance.

NM_001127222.2(CACNA1A):c.6292G>C (p.Ala2098Pro)

Gene: CACNA1A (calcium voltage-gated channel subunit alpha1 A; minus strand). Cytogenetic location: 19p13.13.
Variant type: single nucleotide variant.
Coding change: c.6292G>C on transcript NM_001127222.2 (MANE Select); coding-DNA position 6292, G replaced by C.
Protein change: p.Ala2098Pro; replaces alanine 2098 with proline.
Molecular consequence: missense variant.
Genome position (GRCh38, 1-based): chr19:13,212,114, C>G on the plus strand (G>C on the coding strand, the complement: CACNA1A is on the minus strand). VCF-style: chr19-13212114-C-G. GRCh37 (hg19) VCF-style: chr19-13322928-C-G.
Other names: c.6310G>C, p.Ala2104Pro (NM_000068.4, NM_023035.3); c.6295G>C, p.Ala2099Pro (NM_001127221.2); c.6301G>C, p.Ala2101Pro (NM_001174080.2); short protein forms A2098P, A2099P, A2101P, A2104P.
Identifiers: ClinVar variation 1489223 (VCV001489223.6), dbSNP rs2144522708, ClinGen allele CA404332115.